The following is an entry in ClinVar:

NM_001042545.2(LTBP4):c.4393_4407del (p.Leu1465_Glu1469del)

Gene: LTBP4 (latent transforming growth factor beta binding protein 4; plus strand). Cytogenetic location: 19q13.2.
Variant type: Deletion.
Coding change: c.4393_4407del on transcript NM_001042545.2 (MANE Select); coding-DNA positions 4393 to 4407, 15 bases deleted (CTGGAGGCGGAGGAG).
Protein change: p.Leu1465_Glu1469del.
Molecular consequence: inframe deletion.
Genome position (GRCh38, 1-based): chr19:40,627,731-40,627,745, CTGGAGGCGGAGGAG deleted; deleting any 15 consecutive bases within chr19:40,627,725-40,627,745 gives the same sequence; the c. name uses the placement nearest the transcript's 3' end. VCF-style (leftmost placement, unchanged base first): chr19-40627724-CGAGGAGCTGGAGGCG-C. GRCh37 (hg19) VCF-style: chr19-41133629-CGAGGAGCTGGAGGCG-C.
Other names: c.4594_4608del, p.Leu1532_Glu1536del (NM_001042544.1); c.4483_4497del, p.Leu1495_Glu1499del (NM_003573.2).
Identifiers: ClinVar variation 1476256 (VCV001476256.6), dbSNP rs2081646671, ClinGen allele CA995913085.

ClinVar aggregate classification (germline): Uncertain significance (1 of 4 stars; one submission).

Submission:

Labcorp Genetics (formerly Invitae), Labcorp
Classification: Uncertain significance. Last evaluated: 2021-12-15. Review status: criteria provided, single submitter. Criteria: Invitae Variant Classification Sherloc (09022015). Collection method: clinical testing. Allele origin: germline.
Comment: This variant is not present in population databases (gnomAD no frequency). In summary, the available evidence is currently insufficient to determine the role of this variant in disease. Therefore, it has been classified as a Variant of Uncertain Significance. Experimental studies and prediction algorithms are not available or were not evaluated, and the functional significance of this variant is currently unknown. This variant has not been reported in the literature in individuals affected with LTBP4-related conditions. This variant, c.4483_4497del, results in the deletion of 5 amino acid(s) of the LTBP4 protein (p.Leu1495_Glu1499del), but otherwise preserves the integrity of the reading frame.